The following is an entry in ClinVar:

NM_006996.3(SLC19A2):c.1436T>C (p.Met479Thr)

Gene: SLC19A2 (solute carrier family 19 member 2; minus strand). Cytogenetic location: 1q24.2.
Variant type: single nucleotide variant.
Coding change: c.1436T>C on transcript NM_006996.3 (MANE Select); coding-DNA position 1436, T replaced by C.
Protein change: p.Met479Thr; replaces methionine 479 with threonine.
Molecular consequence: missense variant.
Genome position (GRCh38, 1-based): chr1:169,465,907, A>G on the plus strand (T>C on the coding strand, the complement: SLC19A2 is on the minus strand). VCF-style: chr1-169465907-A-G. GRCh37 (hg19) VCF-style: chr1-169435145-A-G.
Other names: c.833T>C, p.Met278Thr (NM_001319667.1); short protein forms M479T, M278T.
Identifiers: ClinVar variation 293522 (VCV000293522.7), dbSNP rs374046494, ClinGen allele CA1232825.
Genomic context (GRCh38, chr1:169,465,907, plus strand): 5'-TATTATGAAGTGGTTACTTGAGAACTTGATTGTGGATCTTCCAGCTTTCTACATTTCTTC[A>G]TAACACTGACTGCACCACTGGCCAGGAAAACCACAGCGATGAGTGCAAAATAACTGGCAT-3'
Protein context (NP_008927.1, residues 469-489): VFLASGAVSV[Met479Thr]KKCRKLEDPQ

ClinVar aggregate classification (germline): Uncertain significance. Review status: criteria provided, multiple submitters, no conflicts (2 of 4 stars). 2 submissions from 2 submitters: Uncertain significance (2). Last evaluated 2022-05-05.

Conditions:
Megaloblastic anemia, thiamine-responsive, with diabetes mellitus and sensorineural deafness (TRMA). Also called: THIAMINE METABOLISM DYSFUNCTION SYNDROME 1 (MEGALOBLASTIC ANEMIA, DIABETES MELLITUS, AND DEAFNESS TYPE); ROGERS SYNDROME; THIAMINE-RESPONSIVE ANEMIA SYNDROME; THIAMINE-RESPONSIVE MYELODYSPLASIA; Thiamine-Responsive Megaloblastic Anemia Syndrome. Identifiers: Orphanet 49827, MedGen C0342287, MONDO:0009575, OMIM 249270.

Allele frequency attached by ClinVar (database versions not stated): ExAC 0.00001; gnomAD exomes 0.00001; TOPMed 0.00002; gnomAD 0.00003; ESP Exome Variant Server 0.00008.
gnomAD v4.1: 13 of 1,614,034 alleles (0.00081%); highest among the groups gnomAD compares: African/African-American, 0.0027%; no homozygotes.

Submissions (2):

GeneDx
Classification: Uncertain significance. Last evaluated: 2022-05-05. Review status: criteria provided, single submitter. Criteria: GeneDx Variant Classification Process June 2021. Collection method: clinical testing. Allele origin: germline. Affected: yes.
Comment: Not observed at significant frequency in large population cohorts (gnomAD); In silico analysis supports that this missense variant does not alter protein structure/function; Has not been previously published as pathogenic or benign to our knowledge

Illumina Laboratory Services, Illumina
Classification: Uncertain significance for Megaloblastic anemia, thiamine-responsive, with diabetes mellitus and sensorineural deafness. Last evaluated: 2018-01-12. Review status: criteria provided, single submitter. Criteria: ICSL Variant Classification Criteria 13 December 2019. Collection method: clinical testing. Allele origin: germline.